The following is an entry in ClinVar:

ClinVar aggregate classification (germline): Pathogenic (1 of 4 stars; one submission).

Submission:

Labcorp Genetics (formerly Invitae), Labcorp
Classification: Pathogenic. Last evaluated: 2024-05-23. Review status: criteria provided, single submitter. Criteria: Invitae Variant Classification Sherloc (09022015). Collection method: clinical testing. Allele origin: germline.
Comment: This sequence change creates a premature translational stop signal (p.Ala1097Hisfs*10) in the CEP152 gene. It is expected to result in an absent or disrupted protein product. Loss-of-function variants in CEP152 are known to be pathogenic (PMID: 21131973). This variant is not present in population databases (gnomAD no frequency). This variant has not been reported in the literature in individuals affected with CEP152-related conditions. For these reasons, this variant has been classified as Pathogenic.

Literature cited by the submitters: PubMed 21131973.

NM_001194998.2(CEP152):c.3288del (p.Ala1097fs)

Gene: CEP152 (centrosomal protein 152; minus strand). Cytogenetic location: 15q21.1.
Variant type: Deletion.
Coding change: c.3288del on transcript NM_001194998.2 (MANE Select); coding-DNA position 3288, one base deleted (A; older notation c.3288delA).
Protein change: p.Ala1097fs; shifts the reading frame from alanine 1097.
Molecular consequence: frameshift variant.
Genome position (GRCh38, 1-based): chr15:48,755,960, T deleted on the plus strand (A on the coding strand, the reverse complement: CEP152 is on the minus strand); the first of 3 consecutive T bases (chr15:48,755,960-48,755,962); deleting any one gives the same sequence. VCF-style (leftmost placement, unchanged base first): chr15-48755959-CT-C. GRCh37 (hg19) VCF-style: chr15-49048156-CT-C.
Other names: c.3288del, p.Ala1097fs (NM_014985.4); short protein forms A1097fs.
Identifiers: ClinVar variation 3677644 (VCV003677644.2).